The following is an entry in ClinVar:

NM_000094.4(COL7A1):c.4811G>A (p.Gly1604Glu)

Gene: COL7A1 (collagen type VII alpha 1 chain; minus strand). Cytogenetic location: 3p21.31.
Variant type: single nucleotide variant.
Coding change: c.4811G>A on transcript NM_000094.4 (MANE Select); coding-DNA position 4811, G replaced by A.
Protein change: p.Gly1604Glu; replaces glycine 1604 with glutamic acid.
Molecular consequence: missense variant.
Genome position (GRCh38, 1-based): chr3:48,581,455, C>T on the plus strand (G>A on the coding strand, the complement: COL7A1 is on the minus strand). VCF-style: chr3-48581455-C-T. GRCh37 (hg19) VCF-style: chr3-48618888-C-T.
Other names: short protein forms G1604E.
Identifiers: ClinVar variation 3768181 (VCV003768181.1).

ClinVar aggregate classification (germline): Pathogenic (1 of 4 stars; one submission).

Conditions:
Recessive dystrophic epidermolysis bullosa (RDEB). Also called: DYSTROPHIC EPIDERMOLYSIS BULLOSA, AUTOSOMAL RECESSIVE; EPIDERMOLYSIS BULLOSA DYSTROPHICA, HALLOPEAU-SIEMENS TYPE; Recessive DEB (RDEB); Hallopeau-Siemens Disease; severe generalized recessive dystrophic epidermolysis bullosa; Epidermolysis Bullosa Distrophica Autosomal Recessive (RDEB). Identifiers: Orphanet 79408, Orphanet 79409, MedGen C0079474, MONDO:0009179, OMIM 226600.

Submission:

Women's Health and Genetics/Laboratory Corporation of America, LabCorp
Classification: Pathogenic for Dystrophic Epidermolysis Bullosa, Recessive. Last evaluated: 2024-12-27. Review status: criteria provided, single submitter. Criteria: LabCorp Variant Classification Summary - May 2015. Collection method: clinical testing. Allele origin: germline.
Comment: Variant summary: COL7A1 c.4811G>A (p.Gly1604Glu) results in a non-conservative amino acid change in the encoded protein sequence. Five of five in-silico tools predict a damaging effect of the variant on protein function. The variant was absent in 251276 control chromosomes. c.4811G>A has been reported in the literature in individuals affected with Dystrophic Epidermolysis Bullosa, Recessive. These data indicate that the variant is likely to be associated with disease. To our knowledge, no experimental evidence demonstrating an impact on protein function has been reported. The following publications have been ascertained in the context of this evaluation (PMID: 32484238, 35149000, 36340603). No submitters have cited clinical-significance assessments for this variant to ClinVar. Alterations of glycine residues within the collagen triple-helix are common mechanisms of disease. In addition, another variant affecting codon Gly1604 has been reported (ClinVar and HGMD database). Based on the evidence outlined above, the variant was classified as pathogenic.

Literature cited by the submitters: PubMed 32484238; PubMed 35149000; PubMed 36340603.